The following is an entry in ClinVar:

NM_148919.4(PSMB8):c.556G>A (p.Val186Met)

Gene: PSMB8 (proteasome 20S subunit beta 8; minus strand). Cytogenetic location: 6p21.32.
Variant type: single nucleotide variant.
Coding change: c.556G>A on transcript NM_148919.4 (MANE Select); coding-DNA position 556, G replaced by A.
Protein change: p.Val186Met; replaces valine 186 with methionine.
Molecular consequence: missense variant.
Genome position (GRCh38, 1-based): chr6:32,841,717, C>T on the plus strand (G>A on the coding strand, the complement: PSMB8 is on the minus strand). VCF-style: chr6-32841717-C-T. GRCh37 (hg19) VCF-style: chr6-32809494-C-T.
Other names: c.544G>A, p.Val182Met (NM_004159.5); short protein forms V182M, V186M.
Identifiers: ClinVar variation 837279 (VCV000837279.9), dbSNP rs78945358, ClinGen allele CA3746339.

ClinVar aggregate classification (germline): Uncertain significance. Review status: criteria provided, multiple submitters, no conflicts (2 of 4 stars). 2 submissions from 2 submitters: Uncertain significance (2). Last evaluated 2025-10-29.

Conditions:
Inborn genetic diseases. Identifiers: MedGen C0950123, MeSH D030342.
Proteosome-associated autoinflammatory syndrome. Also called: Proteasome-associated autoinflammatory syndrome. Identifiers: Orphanet 324977, MedGen C1850568, MONDO:0009726.

Allele frequency attached by ClinVar (database versions not stated): gnomAD 0.00002 and 0.00004; ExAC 0.00006; gnomAD exomes 0.00008 and 0.00004; 1000 Genomes Project 0.00060; TOPMed 0.00006; 1000 Genomes Project 30x 0.00047.
gnomAD v4.1: 66 of 1,612,694 alleles (0.0041%); highest among the groups gnomAD compares: East Asian, 0.071%; no homozygotes.

Submissions (2):

Ambry Genetics
Classification: Uncertain significance for Inborn genetic diseases. Last evaluated: 2025-10-29. Review status: criteria provided, single submitter. Criteria: Ambry Variant Classification Scheme 2023. Collection method: clinical testing. Allele origin: germline.

Labcorp Genetics (formerly Invitae), Labcorp
Classification: Uncertain significance for Proteosome-associated autoinflammatory syndrome. Last evaluated: 2023-11-27. Review status: criteria provided, single submitter. Criteria: Invitae Variant Classification Sherloc (09022015). Collection method: clinical testing. Allele origin: germline.
Comment: This sequence change replaces valine, which is neutral and non-polar, with methionine, which is neutral and non-polar, at codon 186 of the PSMB8 protein (p.Val186Met). This variant is present in population databases (rs78945358, gnomAD 0.07%). This variant has not been reported in the literature in individuals affected with PSMB8-related conditions. ClinVar contains an entry for this variant (Variation ID: 837279). Advanced modeling of protein sequence and biophysical properties (such as structural, functional, and spatial information, amino acid conservation, physicochemical variation, residue mobility, and thermodynamic stability) performed at Invitae indicates that this missense variant is not expected to disrupt PSMB8 protein function with a negative predictive value of 80%. In summary, the available evidence is currently insufficient to determine the role of this variant in disease. Therefore, it has been classified as a Variant of Uncertain Significance.